The following is an entry in ClinVar:

ClinVar aggregate classification (germline): Conflicting classifications of pathogenicity. Review status: criteria provided, conflicting classifications (1 of 4 stars). 5 submissions from 5 submitters: Uncertain significance (2); Likely benign (3). Last evaluated 2026-02-01.

Conditions:
Pierpont syndrome (PRPTS). Identifiers: Orphanet 487825, MedGen C1865644, MONDO:0011213, OMIM 602342.
Inborn genetic diseases. Identifiers: MedGen C0950123, MeSH D030342.

Allele frequency attached by ClinVar (database versions not stated): gnomAD exomes 0.00005 and 0.00006; gnomAD 0.00006 and 0.00007; TOPMed 0.00006; ESP Exome Variant Server 0.00008; ExAC 0.00010.
gnomAD v4.1: 78 of 1,613,400 alleles (0.0048%); highest among the groups gnomAD compares: Non-Finnish European, 0.0061%; no homozygotes.

Submissions (5):

CeGaT Center for Human Genetics Tuebingen
Classification: Likely benign. Last evaluated: 2026-02-01. Review status: criteria provided, single submitter. Criteria: CeGaT Center For Human Genetics Tuebingen Variant Classification Criteria Version 2. Collection method: clinical testing. Allele origin: germline. Affected: yes. Observed: 7 variant alleles.
Comment: TBL1XR1: PP2, BP4, BS1

Labcorp Genetics (formerly Invitae), Labcorp
Classification: Uncertain significance for Pierpont syndrome. Last evaluated: 2025-12-22. Review status: criteria provided, single submitter. Criteria: Invitae Variant Classification Sherloc (09022015). Collection method: clinical testing. Allele origin: germline.
Comment: This sequence change replaces alanine, which is neutral and non-polar, with serine, which is neutral and polar, at codon 116 of the TBL1XR1 protein (p.Ala116Ser). This variant is present in population databases (rs372813783, gnomAD 0.01%). This missense change has been observed in individual(s) with epilepsy (PMID: 25102098). ClinVar contains an entry for this variant (Variation ID: 468536). Invitae Evidence Modeling of protein sequence and biophysical properties (such as structural, functional, and spatial information, amino acid conservation, physicochemical variation, residue mobility, and thermodynamic stability) indicates that this missense variant is not expected to disrupt TBL1XR1 protein function with a negative predictive value of 95%. In summary, the available evidence is currently insufficient to determine the role of this variant in disease. Therefore, it has been classified as a Variant of Uncertain Significance.

Blueprint Genetics
Classification: Likely benign. Last evaluated: 2024-10-18. Review status: criteria provided, single submitter. Criteria: ACMG Guidelines, 2015. Collection method: clinical testing. Allele origin: germline.

GeneDx
Classification: Likely benign. Last evaluated: 2020-03-11. Review status: criteria provided, single submitter. Criteria: GeneDx Variant Classification Process June 2021. Collection method: clinical testing. Allele origin: germline. Affected: yes.
Comment: This variant is associated with the following publications: (PMID: 25102098)

Ambry Genetics
Classification: Uncertain significance for Inborn genetic diseases. Last evaluated: 2018-06-20. Review status: criteria provided, single submitter. Criteria: Ambry Variant Classification Scheme 2023. Collection method: clinical testing. Allele origin: germline.
Comment: The p.A116S variant (also known as c.346G>T), located in coding exon 3 of the TBL1XR1 gene, results from a G to T substitution at nucleotide position 346. The alanine at codon 116 is replaced by serine, an amino acid with similar properties. This variant was identified in a cohort of individuals with epilepsy; however, additional details were not provided (Saitsu H et al. J. Hum. Genet., 2014 Oct;59:581-3). This amino acid position is highly conserved in available vertebrate species. In addition, this alteration is predicted to be tolerated by in silico analysis. Based on available evidence to date, the clinical significance of this alteration remains unclear.

Literature cited by the submitters: PubMed 25102098 (cited by Labcorp Genetics (formerly Invitae), Labcorp and Ambry Genetics).

NM_024665.7(TBL1XR1):c.346G>T (p.Ala116Ser)

Gene: TBL1XR1 (TBL1X/Y related 1; minus strand). Cytogenetic location: 3q26.32.
Variant type: single nucleotide variant.
Coding change: c.346G>T on transcript NM_024665.7 (MANE Select); coding-DNA position 346, G replaced by T.
Protein change: p.Ala116Ser; replaces alanine 116 with serine.
Molecular consequence: missense variant.
Genome position (GRCh38, 1-based): chr3:177,051,585, C>A on the plus strand (G>T on the coding strand, the complement: TBL1XR1 is on the minus strand). VCF-style: chr3-177051585-C-A. GRCh37 (hg19) VCF-style: chr3-176769373-C-A.
Other names: c.346G>T, p.Ala116Ser (NM_001321193.3, NM_001321194.3, NM_001374327.1 and 2 more transcripts); c.85G>T, p.Ala29Ser (NM_001321195.3, NM_001374330.1); short protein forms A116S, A29S.
Identifiers: ClinVar variation 468536 (VCV000468536.53), dbSNP rs372813783, ClinGen allele CA2710000.